The following is an entry in ClinVar:

NM_001042492.3(NF1):c.6092T>G (p.Met2031Arg)

Gene: NF1 (neurofibromin 1; plus strand). Cytogenetic location: 17q11.2.
Variant type: single nucleotide variant.
Coding change: c.6092T>G on transcript NM_001042492.3 (MANE Select); coding-DNA position 6092, T replaced by G.
Protein change: p.Met2031Arg; replaces methionine 2031 with arginine.
Molecular consequence: missense variant.
Genome position (GRCh38, 1-based): chr17:31,336,418, T>G. VCF-style: chr17-31336418-T-G. GRCh37 (hg19) VCF-style: chr17-29663436-T-G.
Other names: c.6029T>G, p.Met2010Arg (NM_000267.4); short protein forms M2010R, M2031R.
Identifiers: ClinVar variation 2814510 (VCV002814510.3), dbSNP rs753624907, ClinGen allele CA8487295.

ClinVar aggregate classification (germline): Uncertain significance (1 of 4 stars; one submission).

Conditions:
Neurofibromatosis, type 1 (NF1). Also called: NEUROFIBROMATOSIS, TYPE I, SOMATIC; Peripheral type neurofibromatosis; VON RECKLINGHAUSEN DISEASE; Neurofibromatosis, type I. Identifiers: Orphanet 636, MedGen C0027831, MONDO:0018975, OMIM 162200. Disease mechanism: loss of function.

Allele frequency attached by ClinVar (database versions not stated): ExAC 0.00001.

Submission:

Labcorp Genetics (formerly Invitae), Labcorp
Classification: Uncertain significance for Neurofibromatosis, type 1. Last evaluated: 2022-11-15. Review status: criteria provided, single submitter. Criteria: Invitae Variant Classification Sherloc (09022015). Collection method: clinical testing. Allele origin: germline.
Comment: This sequence change replaces methionine, which is neutral and non-polar, with arginine, which is basic and polar, at codon 2010 of the NF1 protein (p.Met2010Arg). In summary, the available evidence is currently insufficient to determine the role of this variant in disease. Therefore, it has been classified as a Variant of Uncertain Significance. Algorithms developed to predict the effect of sequence changes on RNA splicing suggest that this variant may create or strengthen a splice site. Advanced modeling of protein sequence and biophysical properties (such as structural, functional, and spatial information, amino acid conservation, physicochemical variation, residue mobility, and thermodynamic stability) performed at Invitae indicates that this missense variant is expected to disrupt NF1 protein function. This variant has not been reported in the literature in individuals affected with NF1-related conditions. This variant is not present in population databases (gnomAD no frequency).